The following is an entry in ClinVar:

ClinVar aggregate classification (germline): Uncertain significance (1 of 4 stars; one submission).

Conditions:
Stormorken syndrome (STRMK). Also called: THROMBOCYTOPATHY, ASPLENIA, AND MIOSIS. Identifiers: Orphanet 3204, MedGen C1861451, MONDO:0008497, OMIM 185070.
Combined immunodeficiency due to STIM1 deficiency. Also called: STIM1 DEFICIENCY; IMMUNODEFICIENCY 10. Identifiers: Orphanet 169090, Orphanet 317430, MedGen C2748557, MONDO:0013008, OMIM 612783.
Myopathy with tubular aggregates (TAM). Also called: Tubular Aggregate Myopathy. Identifiers: Orphanet 2593, MedGen C0410207, MONDO:0008051.

Allele frequency attached by ClinVar (database versions not stated): gnomAD 0.00001; TOPMed 0.00001.
gnomAD v4.1: 54 of 1,614,066 alleles (0.0033%); highest among the groups gnomAD compares: Non-Finnish European, 0.0042%; no homozygotes.

Submission:

Labcorp Genetics (formerly Invitae), Labcorp
Classification: Uncertain significance for Myopathy with tubular aggregates; Combined immunodeficiency due to STIM1 deficiency; Stormorken syndrome. Last evaluated: 2023-10-13. Review status: criteria provided, single submitter. Criteria: Invitae Variant Classification Sherloc (09022015). Collection method: clinical testing. Allele origin: germline.
Comment: This sequence change affects codon 402 of the STIM1 mRNA. It is a 'silent' change, meaning that it does not change the encoded amino acid sequence of the STIM1 protein. This variant is present in population databases (rs760051786, gnomAD 0.002%). This variant has not been reported in the literature in individuals affected with STIM1-related conditions. ClinVar contains an entry for this variant (Variation ID: 947426). Algorithms developed to predict the effect of sequence changes on RNA splicing suggest that this variant may disrupt the consensus splice site. In summary, the available evidence is currently insufficient to determine the role of this variant in disease. Therefore, it has been classified as a Variant of Uncertain Significance.

NM_001382567.1(STIM1):c.1206G>A (p.Leu402=)

Gene: STIM1 (stromal interaction molecule 1; plus strand). Cytogenetic location: 11p15.4.
Variant type: single nucleotide variant.
Coding change: c.1206G>A on transcript NM_001382567.1 (MANE Select); coding-DNA position 1206, G replaced by A.
Protein change: p.Leu402=; no amino-acid change (leucine 402 retained).
Molecular consequence: synonymous variant. On other transcripts: non-coding transcript variant (2).
Genome position (GRCh38, 1-based): chr11:4,082,950, G>A. VCF-style: chr11-4082950-G-A. GRCh37 (hg19) VCF-style: chr11-4104180-G-A.
Other names: c.1206G>A, p.Leu402= (NM_001277961.3, NM_001277962.2, NM_001382568.1 and 1 more transcripts); c.984G>A, p.Leu328= (NM_001382566.1, NM_001382573.1, NM_001382575.1 and 4 more transcripts); c.1071G>A, p.Leu357= (NM_001382569.1); c.978G>A, p.Leu326= (NM_001382570.1); c.726G>A, p.Leu242= (NM_001382571.1); c.717G>A, p.Leu239= (NM_001382580.1, NM_001382581.1).
Identifiers: ClinVar variation 947426 (VCV000947426.8), dbSNP rs760051786, ClinGen allele CA5830421.